The following is an entry in ClinVar:

ClinVar aggregate classification (germline): Uncertain significance. Review status: criteria provided, single submitter (1 of 4 stars). 2 submissions from 2 submitters: Uncertain significance (1). 1 of the submissions does not count toward it. Last evaluated 2024-06-10.

Conditions:
CSF2RB-related disorder. Also called: CSF2RB-related condition.

Allele frequency attached by ClinVar (database versions not stated): gnomAD exomes 0.00004 and 0.00009; ExAC 0.00013; gnomAD 0.00036 and 0.00039; TOPMed 0.00038; ESP Exome Variant Server 0.00069.
gnomAD v4.1: 117 of 1,613,912 alleles (0.0072%); highest among the groups gnomAD compares: African/African-American, 0.13%; no homozygotes.

Submissions (2):

Labcorp Genetics (formerly Invitae), Labcorp
Classification: Uncertain significance. Last evaluated: 2024-06-10. Review status: criteria provided, single submitter. Criteria: Invitae Variant Classification Sherloc (09022015). Collection method: clinical testing. Allele origin: germline.
Comment: This sequence change falls in intron 9 of the CSF2RB gene. It does not directly change the encoded amino acid sequence of the CSF2RB protein. It affects a nucleotide within the consensus splice site. This variant is present in population databases (rs375322656, gnomAD 0.1%), and has an allele count higher than expected for a pathogenic variant. This variant has not been reported in the literature in individuals affected with CSF2RB-related conditions. ClinVar contains an entry for this variant (Variation ID: 1406490). Variants that disrupt the consensus splice site are a relatively common cause of aberrant splicing (PMID: 17576681, 9536098). Algorithms developed to predict the effect of sequence changes on RNA splicing suggest that this variant is not likely to affect RNA splicing. In summary, the available evidence is currently insufficient to determine the role of this variant in disease. Therefore, it has been classified as a Variant of Uncertain Significance.

PreventionGenetics, part of Exact Sciences
Classification: Likely benign for CSF2RB-related condition. Last evaluated: 2023-12-21. Review status: no assertion criteria provided. Collection method: clinical testing. Allele origin: germline. Not counted in ClinVar's aggregate classification.
Comment: This variant is classified as likely benign based on ACMG/AMP sequence variant interpretation guidelines (Richards et al. 2015 PMID: 25741868, with internal and published modifications).

Literature cited by the submitters: PubMed 17576681 (cited by Labcorp Genetics (formerly Invitae), Labcorp); PubMed 9536098 (cited by Labcorp Genetics (formerly Invitae), Labcorp).

NM_000395.3(CSF2RB):c.1152+3G>A

Gene: CSF2RB (colony stimulating factor 2 receptor subunit beta; plus strand). Cytogenetic location: 22q12.3.
Variant type: single nucleotide variant.
Coding change: c.1152+3G>A on transcript NM_000395.3 (MANE Select); 3 bases into the intron after coding-DNA position 1152, G replaced by A.
Molecular consequence: intron variant.
Genome position (GRCh38, 1-based): chr22:36,932,907, G>A. VCF-style: chr22-36932907-G-A. GRCh37 (hg19) VCF-style: chr22-37328949-G-A.
Other names: c.1152+3G>A (NM_000395.2).
Identifiers: ClinVar variation 1406490 (VCV001406490.7), dbSNP rs375322656, ClinGen allele CA10213709.
Genomic context (GRCh38, chr22:36,932,907, plus strand): 5'-CGAACACATAGACCACACATTTGAGATCCAGTACAGGAAAGACACGGCCACGTGGAAGGT[G>A]AGGGCCTTTGCCCAGGGAGGGGAGAAACACTGGGGAGGGCGGGAGAAGGGAAAGCAACCA-3'